The following is an entry in ClinVar:

ClinVar aggregate classification (germline): Benign/Likely benign. Review status: criteria provided, multiple submitters, no conflicts (2 of 4 stars). 6 submissions from 6 submitters: Benign (1); Likely benign (4). 1 of the submissions does not count toward it. Last evaluated 2025-10-08.

Conditions:
Timothy syndrome (TS). Also called: LONG QT SYNDROME WITH SYNDACTYLY. Identifiers: Orphanet 65283, MedGen C1832916, MeSH C536962, MONDO:0010979, OMIM 601005.
Brugada syndrome 3 (BRGDA3). Identifiers: Orphanet 130, MedGen C2678478, MONDO:0012742, OMIM 611875.
Long QT syndrome 8. Identifiers: MedGen CN260585, MONDO:0032756, OMIM 618447.
Cardiovascular phenotype. Identifiers: MedGen CN230736.
CACNA1C-related disorder. Also called: CACNA1C-related disorders; CACNA1C-related condition. Identifiers: MedGen CN381092, MONDO:0700321.
Long QT syndrome (LQTS). Identifiers: MedGen C0023976, MeSH D008133, MONDO:0002442. Disease mechanism: loss of function. Inheritance: Various modes of inheritance.

Allele frequency attached by ClinVar (database versions not stated): gnomAD exomes 0.00003 and 0.00002; gnomAD 0.00003 and 0.00004; ESP Exome Variant Server 0.00008; ExAC 0.00003; TOPMed 0.00005.
gnomAD v4.1: 38 of 1,613,862 alleles (0.0024%); highest among the groups gnomAD compares: African/African-American, 0.0067%; no homozygotes.

Submissions (6):

Labcorp Genetics (formerly Invitae), Labcorp
Classification: Likely benign for Long QT syndrome. Last evaluated: 2025-10-08. Review status: criteria provided, single submitter. Criteria: Invitae Variant Classification Sherloc (09022015). Collection method: clinical testing. Allele origin: germline.

Blueprint Genetics
Classification: Likely benign. Last evaluated: 2024-09-16. Review status: criteria provided, single submitter. Criteria: ACMG Guidelines, 2015. Collection method: clinical testing. Allele origin: germline.

Ambry Genetics
Classification: Likely benign for Cardiovascular phenotype. Last evaluated: 2023-12-21. Review status: criteria provided, single submitter. Criteria: Ambry Variant Classification Scheme 2023. Collection method: clinical testing. Allele origin: germline.

Fulgent Genetics
Classification: Likely benign for Timothy syndrome; Brugada syndrome 3; Long QT syndrome 8. Last evaluated: 2021-07-28. Review status: criteria provided, single submitter. Criteria: ACMG Guidelines, 2015. Collection method: clinical testing. Allele origin: unknown.

GeneDx
Classification: Benign. Last evaluated: 2015-03-03. Review status: criteria provided, single submitter. Criteria: GeneDx Variant Classification Process June 2021. Collection method: clinical testing. Allele origin: germline. Affected: yes.

PreventionGenetics, part of Exact Sciences
Classification: Likely benign for CACNA1C-related condition. Last evaluated: 2024-09-17. Review status: no assertion criteria provided. Collection method: clinical testing. Allele origin: germline. Not counted in ClinVar's aggregate classification.
Comment: This variant is classified as likely benign based on ACMG/AMP sequence variant interpretation guidelines (Richards et al. 2015 PMID: 25741868, with internal and published modifications).

NM_000719.7(CACNA1C):c.5277G>A (p.Ser1759=)

Genes: CACNA1C-AS1 (CACNA1C antisense RNA 1; minus strand), CACNA1C (calcium voltage-gated channel subunit alpha1 C; plus strand). Cytogenetic location: 12p13.33.
Variant type: single nucleotide variant.
Coding change: c.5277G>A on transcript NM_000719.7 (MANE Select); coding-DNA position 5277, G replaced by A.
Protein change: p.Ser1759=; no amino-acid change (serine 1759 retained).
Molecular consequence: synonymous variant.
Genome position (GRCh38, 1-based): chr12:2,679,629, G>A. VCF-style: chr12-2679629-G-A. GRCh37 (hg19) VCF-style: chr12-2788795-G-A.
Other names: c.5421G>A, p.Ser1807= (NM_001129827.2, NM_199460.4); c.5400G>A, p.Ser1800= (NM_001129829.2); c.5277G>A, p.Ser1759= (NM_001129830.3, NM_001129840.2, NM_001129841.2 and 4 more transcripts); c.5361G>A, p.Ser1787= (NM_001129831.2); c.5337G>A, p.Ser1779= (NM_001129832.2); c.5334G>A, p.Ser1778= (NM_001129833.2, NM_001129834.2, NM_001129835.2); c.5328G>A, p.Ser1776= (NM_001129836.2); c.5301G>A, p.Ser1767= (NM_001129837.2, NM_001129838.2); and 3 more.
Identifiers: ClinVar variation 416877 (VCV000416877.18), dbSNP rs371931644, ClinGen allele CA6389744.